The following is an entry in ClinVar:

NM_001042492.3(NF1):c.3024A>G (p.Ala1008=)

Gene: NF1 (neurofibromin 1; plus strand). Cytogenetic location: 17q11.2.
Variant type: single nucleotide variant.
Coding change: c.3024A>G on transcript NM_001042492.3 (MANE Select); coding-DNA position 3024, A replaced by G.
Protein change: p.Ala1008=; no amino-acid change (alanine 1008 retained).
Molecular consequence: synonymous variant.
Genome position (GRCh38, 1-based): chr17:31,230,293, A>G. VCF-style: chr17-31230293-A-G. GRCh37 (hg19) VCF-style: chr17-29557311-A-G.
Other names: c.3024A>G, p.Ala1008= (NM_000267.4).
Identifiers: ClinVar variation 186307 (VCV000186307.15), dbSNP rs779490777, ClinGen allele CA194423.

ClinVar aggregate classification (germline): Benign/Likely benign. Review status: criteria provided, multiple submitters, no conflicts (2 of 4 stars). 5 submissions from 5 submitters: Benign (1); Likely benign (4). Last evaluated 2026-05-18.

Conditions:
Hereditary cancer-predisposing syndrome. Also called: Tumor predisposition; Hereditary neoplastic syndrome; Neoplastic Syndromes, Hereditary; Hereditary Cancer Syndrome. Identifiers: Orphanet 140162, MedGen C0027672, MeSH D009386, MONDO:0015356.
Neurofibromatosis, type 1 (NF1). Also called: Neurofibromatosis, type I; NEUROFIBROMATOSIS, TYPE I, SOMATIC; VON RECKLINGHAUSEN DISEASE; Peripheral type neurofibromatosis. Identifiers: Orphanet 636, MedGen C0027831, MONDO:0018975, OMIM 162200. Disease mechanism: loss of function.

Allele frequency attached by ClinVar (database versions not stated): gnomAD exomes 0.00001 and 0.00002; ExAC 0.00001; gnomAD 0.00001.
gnomAD v4.1: 33 of 1,613,380 alleles (0.002%); highest among the groups gnomAD compares: Non-Finnish European, 0.0027%; no homozygotes.

Submissions (5):

Myriad Genetics, Inc.
Classification: Benign for Neurofibromatosis, type 1. Last evaluated: 2026-05-18. Review status: criteria provided, single submitter. Criteria: Myriad Autosomal Dominant, Autosomal Recessive and X-Linked Classification Criteria (2023). Collection method: clinical testing. Allele origin: unknown.
Comment: This variant is considered benign. This variant is a silent/synonymous amino acid change and it is not expected to impact splicing.

Labcorp Genetics (formerly Invitae), Labcorp
Classification: Likely benign for Neurofibromatosis, type 1. Last evaluated: 2025-10-15. Review status: criteria provided, single submitter. Criteria: Invitae Variant Classification Sherloc (09022015). Collection method: clinical testing. Allele origin: germline.

Genome-Nilou Lab
Classification: Likely benign for Neurofibromatosis, type 1. Last evaluated: 2022-03-15. Review status: criteria provided, single submitter. Criteria: ACMG Guidelines, 2015. Collection method: clinical testing. Allele origin: germline. Affected: no.

Sema4
Classification: Likely benign for Hereditary cancer-predisposing syndrome. Last evaluated: 2021-11-17. Review status: criteria provided, single submitter. Criteria: Sema4 Curation Guidelines. Collection method: curation. Allele origin: germline.

Ambry Genetics
Classification: Likely benign for Hereditary cancer-predisposing syndrome. Last evaluated: 2014-09-29. Review status: criteria provided, single submitter. Criteria: Ambry Autosomal Dominant and X-Linked criteria (10/2015). Collection method: clinical testing. Allele origin: germline. Observed: 1 variant allele.